The following is an entry in ClinVar:

NM_003924.4(PHOX2B):c.287G>A (p.Arg96His)

Gene: PHOX2B (paired like homeobox 2B; minus strand). Cytogenetic location: 4p13.
Variant type: single nucleotide variant.
Coding change: c.287G>A on transcript NM_003924.4 (MANE Select); coding-DNA position 287, G replaced by A.
Protein change: p.Arg96His; replaces arginine 96 with histidine.
Molecular consequence: missense variant.
Genome position (GRCh38, 1-based): chr4:41,747,491, C>T on the plus strand (G>A on the coding strand, the complement: PHOX2B is on the minus strand). VCF-style: chr4-41747491-C-T. GRCh37 (hg19) VCF-style: chr4-41749508-C-T.
Other names: short protein forms R96H.
Identifiers: ClinVar variation 5026587 (VCV005026587.1).

ClinVar aggregate classification (germline): Uncertain significance (1 of 4 stars; one submission).

Conditions:
Hereditary cancer-predisposing syndrome. Also called: Neoplastic Syndromes, Hereditary; Tumor predisposition; Hereditary neoplastic syndrome; Hereditary Cancer Syndrome. Identifiers: Orphanet 140162, MedGen C0027672, MeSH D009386, MONDO:0015356.

Submission:

Ambry Genetics
Classification: Uncertain significance for Hereditary cancer-predisposing syndrome. Last evaluated: 2026-07-07. Review status: criteria provided, single submitter. Criteria: Ambry Variant Classification Scheme 2023. Collection method: clinical testing. Allele origin: germline.
Comment: The p.R96H variant (also known as c.287G>A), located in coding exon 2 of the PHOX2B gene, results from a G to A substitution at nucleotide position 287. The arginine at codon 96 is replaced by histidine, an amino acid with highly similar properties. This amino acid position is conserved. In addition, this alteration is predicted to be deleterious by in silico analysis. Based on the available evidence, the clinical significance of this variant remains unclear.